The following is an entry in ClinVar:

ClinVar aggregate classification (germline): Uncertain significance (1 of 4 stars; one submission).

Allele frequency attached by ClinVar (database versions not stated): gnomAD exomes below 0.00001.

Submission:

GeneDx
Classification: Uncertain significance. Last evaluated: 2022-09-22. Review status: criteria provided, single submitter. Criteria: GeneDx Variant Classification Process June 2021. Collection method: clinical testing. Allele origin: germline. Affected: yes.
Comment: Not observed at significant frequency in large population cohorts (gnomAD); In silico analysis supports that this missense variant has a deleterious effect on protein structure/function; Has not been previously published as pathogenic or benign to our knowledge

NM_001039591.3(USP9X):c.571C>T (p.Arg191Cys)

Gene: USP9X (ubiquitin specific peptidase 9 X-linked; plus strand). Cytogenetic location: Xp11.4.
Variant type: single nucleotide variant.
Coding change: c.571C>T on transcript NM_001039591.3 (MANE Select); coding-DNA position 571, C replaced by T.
Protein change: p.Arg191Cys; replaces arginine 191 with cysteine.
Molecular consequence: missense variant.
Genome position (GRCh38, 1-based): chrX:41,136,939, C>T. VCF-style: chrX-41136939-C-T. GRCh37 (hg19) VCF-style: chrX-40996192-C-T.
Other names: c.571C>T, p.Arg191Cys (NM_001039590.3, NM_001410748.1, NM_001410749.1); short protein forms R191C.
Identifiers: ClinVar variation 2446265 (VCV002446265.1), dbSNP rs2519118096, ClinGen allele CA412763348.